The following is an entry in ClinVar:

NM_000465.4(BARD1):c.716del (p.Leu239fs)

Gene: BARD1 (BRCA1 associated RING domain 1; minus strand). Cytogenetic location: 2q35.
Variant type: Deletion.
Coding change: c.716del on transcript NM_000465.4 (MANE Select); coding-DNA position 716, one base deleted (T; older notation c.716delT).
Protein change: p.Leu239fs; shifts the reading frame from leucine 239.
Molecular consequence: frameshift variant. On other transcripts: intron variant (3), non-coding transcript variant (2).
Genome position (GRCh38, 1-based): chr2:214,781,158, A deleted on the plus strand (T on the coding strand, the reverse complement: BARD1 is on the minus strand). VCF-style (leftmost placement, unchanged base first): chr2-214781157-CA-C. GRCh37 (hg19) VCF-style: chr2-215645881-CA-C.
Other names: c.364+11139del (NM_001282549.2); c.659del, p.Leu220fs (NM_001282543.2); c.158+28254del (NM_001282548.2); c.215+15903del (NM_001282545.2); c.716delT (NM_000465.2); short protein forms L220fs, L239fs.
Identifiers: ClinVar variation 1070465 (VCV001070465.11), dbSNP rs2106110871, ClinGen allele CA2499215630.

ClinVar aggregate classification (germline): Pathogenic/Likely pathogenic. Review status: criteria provided, multiple submitters, no conflicts (2 of 4 stars). 4 submissions from 4 submitters: Pathogenic (3); Likely pathogenic (1). Last evaluated 2024-06-27.

Conditions:
Hereditary cancer-predisposing syndrome. Also called: Hereditary neoplastic syndrome; Tumor predisposition; Hereditary Cancer Syndrome; Neoplastic Syndromes, Hereditary. Identifiers: Orphanet 140162, MedGen C0027672, MeSH D009386, MONDO:0015356.
Familial cancer of breast. Also called: hereditary breast carcinoma; BREAST CANCER, FAMILIAL; Hereditary breast cancer. Identifiers: Orphanet 227535, MedGen C0346153, MONDO:0016419, OMIM 114480. Disease mechanism: loss of function.

Submissions (4):

Myriad Genetics, Inc.
Classification: Pathogenic for Familial cancer of breast. Last evaluated: 2024-06-27. Review status: criteria provided, single submitter. Criteria: Myriad Autosomal Dominant, Autosomal Recessive and X-Linked Classification Criteria (2023). Collection method: clinical testing. Allele origin: unknown.
Comment: This variant is considered pathogenic. This variant creates a frameshift predicted to result in premature protein truncation.

Labcorp Genetics (formerly Invitae), Labcorp
Classification: Pathogenic for Familial cancer of breast. Last evaluated: 2023-12-02. Review status: criteria provided, single submitter. Criteria: Invitae Variant Classification Sherloc (09022015). Collection method: clinical testing. Allele origin: germline.
Comment: This sequence change creates a premature translational stop signal (p.Leu239Argfs*16) in the BARD1 gene. It is expected to result in an absent or disrupted protein product. Loss-of-function variants in BARD1 are known to be pathogenic (PMID: 20077502, 21344236). This variant is not present in population databases (gnomAD no frequency). This variant has not been reported in the literature in individuals affected with BARD1-related conditions. ClinVar contains an entry for this variant (Variation ID: 1070465). For these reasons, this variant has been classified as Pathogenic.

Ambry Genetics
Classification: Pathogenic for Hereditary cancer-predisposing syndrome. Last evaluated: 2022-12-15. Review status: criteria provided, single submitter. Criteria: Ambry Variant Classification Scheme 2023. Collection method: clinical testing. Allele origin: germline.
Comment: The c.716delT pathogenic mutation, located in coding exon 4 of the BARD1 gene, results from a deletion of one nucleotide at nucleotide position 716, causing a translational frameshift with a predicted alternate stop codon (p.L239Rfs*16). This alteration is expected to result in loss of function by premature protein truncation or nonsense-mediated mRNA decay. As such, this alteration is interpreted as a disease-causing mutation.

Baylor Genetics
Classification: Likely pathogenic for Familial cancer of breast. Last evaluated: 2021-07-19. Review status: criteria provided, single submitter. Criteria: ACMG Guidelines, 2015. Collection method: clinical testing. Allele origin: unknown.

Literature cited by the submitters: PubMed 20077502 (cited by Labcorp Genetics (formerly Invitae), Labcorp); PubMed 21344236 (cited by Labcorp Genetics (formerly Invitae), Labcorp).